The following is an entry in ClinVar:

NM_000030.3(AGXT):c.560C>A (p.Ser187Tyr)

Gene: AGXT (alanine--glyoxylate aminotransferase; plus strand). Cytogenetic location: 2q37.3.
Variant type: single nucleotide variant.
Coding change: c.560C>A on transcript NM_000030.3 (MANE Select); coding-DNA position 560, C replaced by A.
Protein change: p.Ser187Tyr; replaces serine 187 with tyrosine.
Molecular consequence: missense variant.
Genome position (GRCh38, 1-based): chr2:240,873,014, C>A. VCF-style: chr2-240873014-C-A. GRCh37 (hg19) VCF-style: chr2-241812431-C-A.
Other names: short protein forms S187Y.
Identifiers: ClinVar variation 2664125 (VCV002664125.2), dbSNP rs180177238, ClinGen allele CA351316564.
Genomic context (GRCh38, chr2:240,873,014, plus strand): 5'-TCCATTCTGTCCCCCACCTCTCCAGGTACAAGTGCCTGCTCCTGGTGGATTCGGTGGCAT[C>A]CCTGGGCGGGACCCCCCTTTACATGGACCGGCAAGGTAAGGGTGGGCTCTGAGAGCCCTA-3'
Protein context (NP_000021.1, residues 177-197): KCLLLVDSVA[Ser187Tyr]LGGTPLYMDR

ClinVar aggregate classification (germline): Conflicting classifications of pathogenicity. Review status: criteria provided, conflicting classifications (1 of 4 stars). 2 submissions from 2 submitters: Likely pathogenic (1); Uncertain significance (1). Last evaluated 2025-05-09.

Conditions:
Primary hyperoxaluria, type I (HP1). Also called: OXALOSIS I; Primary hyperoxaluria type 1; GLYCOLIC ACIDURIA; HEPATIC AGT DEFICIENCY. Identifiers: Orphanet 416, Orphanet 93598, MedGen C0268164, MONDO:0009823, OMIM 259900. Disease mechanism: loss of function.

Submissions (2):

Women's Health and Genetics/Laboratory Corporation of America, LabCorp
Classification: Uncertain significance. Last evaluated: 2025-05-09. Review status: criteria provided, single submitter. Criteria: LabCorp Variant Classification Summary - May 2015. Collection method: clinical testing. Allele origin: germline.
Comment: Variant summary: AGXT c.560C>A (p.Ser187Tyr) results in a non-conservative amino acid change in the encoded protein sequence. Algorithms developed to predict the effect of missense changes on protein structure and function all suggest that this variant is likely to be disruptive. The variant was absent in 249728 control chromosomes. c.560C>A has been observed in individual(s) affected with Primary Hyperoxaluria Type 1 (Hopp_2015). A different variant affecting the same codon has been classified as pathogenic by our lab (c.560C>T, p.Ser187Phe), supporting the critical relevance of codon 187 to AGXT protein function. To our knowledge, no experimental evidence demonstrating an impact on protein function has been reported. ClinVar contains an entry for this variant (Variation ID: 2664125). The following publication has been ascertained in the context of this evaluation (PMID: 25644115). Based on the evidence outlined above, the variant was classified as VUS-possibly pathogenic.

Rare Kidney Stone Consortium and the Mayo Clinic Hyperoxaluria Center, Mayo Clinic
Classification: Likely pathogenic for Primary hyperoxaluria, type I. Last evaluated: 2023-10-27. Review status: criteria provided, single submitter. Criteria: ACMG Guidelines, 2015. Collection method: clinical testing. Allele origin: germline. Affected: yes.
Comment: ACMG:PM2 PM3 PM5 PP3

Literature cited by the submitters: PubMed 25644115 (cited by Women's Health and Genetics/Laboratory Corporation of America, LabCorp and Rare Kidney Stone Consortium and the Mayo Clinic Hyperoxaluria Center, Mayo Clinic).